The following is an entry in ClinVar:

ClinVar aggregate classification (germline): Uncertain significance (1 of 4 stars; one submission).

Conditions:
Duchenne muscular dystrophy (DMD). Also called: MUSCULAR DYSTROPHY, PSEUDOHYPERTROPHIC PROGRESSIVE, DUCHENNE TYPE; Duchenne Muscular Dystrophy (DMD). Identifiers: Orphanet 98896, MedGen C0013264, MONDO:0010679, OMIM 310200.

Allele frequency attached by ClinVar (database versions not stated): ExAC 0.00001; gnomAD 0.00001; 1000 Genomes Project 30x 0.00021; 1000 Genomes Project 0.00026.
gnomAD v4.1: 2 of 1,207,837 alleles (0.00017%); highest among the groups gnomAD compares: Admixed American, 0.0022%; no homozygotes.

Submission:

Labcorp Genetics (formerly Invitae), Labcorp
Classification: Uncertain significance for Duchenne muscular dystrophy. Last evaluated: 2024-12-23. Review status: criteria provided, single submitter. Criteria: Invitae Variant Classification Sherloc (09022015). Collection method: clinical testing. Allele origin: germline.
Comment: This sequence change falls in intron 10 of the DMD gene. It does not directly change the encoded amino acid sequence of the DMD protein. It affects a nucleotide within the consensus splice site. This variant is present in population databases (rs772363146, gnomAD 0.008%). This variant has not been reported in the literature in individuals affected with DMD-related conditions. ClinVar contains an entry for this variant (Variation ID: 2056516). Variants that disrupt the consensus splice site are a relatively common cause of aberrant splicing (PMID: 17576681, 9536098). Algorithms developed to predict the effect of sequence changes on RNA splicing suggest that this variant is not likely to affect RNA splicing. In summary, the available evidence is currently insufficient to determine the role of this variant in disease. Therefore, it has been classified as a Variant of Uncertain Significance.

Literature cited by the submitters: PubMed 17576681; PubMed 9536098.

NM_004006.3(DMD):c.1149+6C>G

Gene: DMD (dystrophin; minus strand). Cytogenetic location: Xp21.1.
Variant type: single nucleotide variant.
Coding change: c.1149+6C>G on transcript NM_004006.3 (MANE Select); 6 bases into the intron after coding-DNA position 1149, C replaced by G.
Molecular consequence: intron variant.
Genome position (GRCh38, 1-based): chrX:32,644,958, G>C on the plus strand (C>G on the coding strand, the complement: DMD is on the minus strand). VCF-style: chrX-32644958-G-C. GRCh37 (hg19) VCF-style: chrX-32663075-G-C.
Other names: c.1125+6C>G (NM_000109.4); c.1137+6C>G (NM_004009.3); c.780+6C>G (NM_004010.3).
Identifiers: ClinVar variation 2056516 (VCV002056516.3), dbSNP rs772363146, ClinGen allele CA10379966.